The following is an entry in ClinVar:

NM_000143.4(FH):c.1354T>A (p.Ser452Thr)

Gene: FH (fumarate hydratase; minus strand). Cytogenetic location: 1q43.
Variant type: single nucleotide variant.
Coding change: c.1354T>A on transcript NM_000143.4 (MANE Select); coding-DNA position 1354, T replaced by A.
Protein change: p.Ser452Thr; replaces serine 452 with threonine.
Molecular consequence: missense variant.
Genome position (GRCh38, 1-based): chr1:241,500,473, A>T on the plus strand (T>A on the coding strand, the complement: FH is on the minus strand). VCF-style: chr1-241500473-A-T. GRCh37 (hg19) VCF-style: chr1-241663773-A-T.
Other names: short protein forms S452T.
Identifiers: ClinVar variation 566507 (VCV000566507.22), dbSNP rs201388169, ClinGen allele CA40327538.
Genomic context (GRCh38, chr1:241,500,473, plus strand): 5'-TATTATTATTCCTTAAACACTTACCTATATGAGGATTGAGAGCTGTCACCAACATTAGAG[A>T]CTCATTCATCAGCTTGTTGATCCTTTCTGTATTGGCCTGGATTCCCACCACGCAGTTTTC-3'
Protein context (NP_000134.2, residues 442-462): TERINKLMNE[Ser452Thr]LMLVTALNPH

ClinVar aggregate classification (germline): Uncertain significance. Review status: criteria provided, multiple submitters, no conflicts (2 of 4 stars). 5 submissions from 5 submitters: Uncertain significance (4). 1 of the submissions does not count toward it. Last evaluated 2026-04-20.

Conditions:
Hereditary cancer-predisposing syndrome. Also called: Tumor predisposition; Hereditary neoplastic syndrome; Hereditary Cancer Syndrome; Neoplastic Syndromes, Hereditary. Identifiers: Orphanet 140162, MedGen C0027672, MeSH D009386, MONDO:0015356.
Fumarase deficiency (FMRD). Also called: Fumaric aciduria; Fumarate Hydratase Deficiency. Identifiers: Orphanet 24, MedGen C0342770, MONDO:0011730, OMIM 606812.
Hereditary leiomyomatosis and renal cell cancer. Also called: Reed syndrome; Multiple cutaneous and uterine leiomyomatosis; Cutaneous leiomyomata with uterine leiomyomata; Leiomyoma, hereditary multiple, of skin; Multiple cutaneous and uterine leiomyomata; Multiple cutaneous leiomyomas. Identifiers: Orphanet 523, MedGen C1708350, MONDO:0007888, OMIM 150800, HP:0007437. Disease mechanism: loss of function.

Allele frequency attached by ClinVar (database versions not stated): TOPMed below 0.00001; gnomAD exomes 0.00001.
gnomAD v4.1: 8 of 1,613,948 alleles (0.0005%); highest among the groups gnomAD compares: South Asian, 0.0066%; no homozygotes.

Submissions (6):

Ambry Genetics
Classification: Uncertain significance for Hereditary cancer-predisposing syndrome. Last evaluated: 2026-04-20. Review status: criteria provided, single submitter. Criteria: Ambry Variant Classification Scheme 2023. Collection method: clinical testing. Allele origin: germline.

Labcorp Genetics (formerly Invitae), Labcorp
Classification: Uncertain significance. Last evaluated: 2026-01-26. Review status: criteria provided, single submitter. Criteria: Invitae Variant Classification Sherloc (09022015). Collection method: clinical testing. Allele origin: germline.
Comment: This sequence change replaces serine, which is neutral and polar, with threonine, which is neutral and polar, at codon 452 of the FH protein (p.Ser452Thr). This variant is not present in population databases (gnomAD no frequency). This variant has not been reported in the literature in individuals affected with FH-related conditions. ClinVar contains an entry for this variant (Variation ID: 566507). Invitae Evidence Modeling of protein sequence and biophysical properties (such as structural, functional, and spatial information, amino acid conservation, physicochemical variation, residue mobility, and thermodynamic stability) indicates that this missense variant is expected to disrupt FH protein function with a positive predictive value of 95%. In summary, the available evidence is currently insufficient to determine the role of this variant in disease. Therefore, it has been classified as a Variant of Uncertain Significance.

St. Jude Molecular Pathology, St. Jude Children's Research Hospital
Classification: Uncertain significance for Hereditary leiomyomatosis and renal cell cancer. Last evaluated: 2024-02-06. Review status: criteria provided, single submitter. Criteria: St. Jude Assertion Criteria 2020. Collection method: clinical testing. Allele origin: germline.
Comment: The FH c.1354T>A (p.Ser452Thr) missense change is absent in gnomAD v2.1.1. The in silico tool REVEL predicts a deleterious effect on protein function, but this prediction has not been confirmed by functional studies. This variant has not been reported in individuals with hereditary leiomyomatosis and renal cell cancer (HLRCC). In summary, the evidence currently available is insufficient to determine the clinical significance of this variant. It has therefore been classified as of uncertain significance.

GeneDx
Classification: Uncertain significance. Last evaluated: 2024-01-17. Review status: criteria provided, single submitter. Criteria: GeneDx Variant Classification Process June 2021. Collection method: clinical testing. Allele origin: germline.
Comment: Not observed at significant frequency in large population cohorts (gnomAD); In silico analysis supports that this missense variant has a deleterious effect on protein structure/function; Has not been previously published as pathogenic or benign to our knowledge

Natera, Inc.
Classification: Uncertain significance for Fumarase Deficiency. Last evaluated: 2021-04-18. Review status: no assertion criteria provided. Collection method: clinical testing. Allele origin: germline. Not counted in ClinVar's aggregate classification.

Blake Wilde Laboratory, Roswell Park Comprehensive Cancer Center
No classification provided (evidence only). Condition: Hereditary leiomyomatosis and renal cell cancer. Review status: no classification provided. Collection method: in vitro. Allele origin: not applicable. Functional consequence: decreased enzyme activity. Not counted in ClinVar's aggregate classification.